The following is an entry in ClinVar:

ClinVar aggregate classification (germline): Pathogenic. Review status: criteria provided, multiple submitters, no conflicts (2 of 4 stars). 2 submissions from 2 submitters: Pathogenic (2). Last evaluated 2026-01-01.

Conditions:
Asphyxiating thoracic dystrophy 3. Also called: SHORT-RIB THORACIC DYSPLASIA 3 WITH OR WITHOUT POLYDACTYLY; POLYDACTYLY WITH NEONATAL CHONDRODYSTROPHY, TYPE I; SHORT-RIB THORACIC DYSPLASIA 3/6 WITH POLYDACTYLY, DIGENIC; Short rib polydactyly syndrome 2B; Saldino-Noonan Syndrome. Identifiers: Orphanet 474, Orphanet 93269, Orphanet 93270, Orphanet 93271, MedGen C0036069, MONDO:0013127, OMIM 613091.

Submissions (2):

Myriad Genetics, Inc.
Classification: Pathogenic for Asphyxiating thoracic dystrophy 3. Last evaluated: 2026-01-01. Review status: criteria provided, single submitter. Criteria: Myriad Autosomal Dominant, Autosomal Recessive and X-Linked Classification Criteria (2023). Collection method: clinical testing. Allele origin: unknown.
Comment: NM_001377.2(DYNC2H1):c.6464G>A(W2155*) is expected to be pathogenic in the context of DYNC2H1-related disorders. This variant is predicted to lead to an abnormal or absent protein product due to the creation of a premature termination codon in DYNC2H1, a gene where loss-of-function variants are known to be pathogenic. Please note: this variant was assessed in the context of healthy population screening.

Genomic Medicine Lab, University of California San Francisco
Classification: Pathogenic for Asphyxiating thoracic dystrophy 3. Review status: criteria provided, single submitter. Criteria: ACMG Guidelines, 2015. Collection method: clinical testing. Allele origin: paternal. Study: CSER.

NM_001377.3(DYNC2H1):c.6464G>A (p.Trp2155Ter)

Gene: DYNC2H1 (dynein cytoplasmic 2 heavy chain 1; plus strand). Cytogenetic location: 11q22.3.
Variant type: single nucleotide variant.
Coding change: c.6464G>A on transcript NM_001377.3 (MANE Select); coding-DNA position 6464, G replaced by A.
Protein change: p.Trp2155Ter; replaces tryptophan 2155 with a stop codon.
Molecular consequence: nonsense.
Genome position (GRCh38, 1-based): chr11:103,181,873, G>A. VCF-style: chr11-103181873-G-A. GRCh37 (hg19) VCF-style: chr11-103052602-G-A.
Other names: c.6464G>A, p.Trp2155Ter (NM_001080463.2); short protein forms W2155*.
Identifiers: ClinVar variation 1707477 (VCV001707477.2), dbSNP rs2496257055, ClinGen allele CA382248752.